The following is an entry in ClinVar:

NM_001367561.1(DOCK7):c.5064G>A (p.Leu1688=)

Gene: DOCK7 (dedicator of cytokinesis 7; minus strand). Cytogenetic location: 1p31.3.
Variant type: single nucleotide variant.
Coding change: c.5064G>A on transcript NM_001367561.1 (MANE Select); coding-DNA position 5064, G replaced by A.
Protein change: p.Leu1688=; no amino-acid change (leucine 1688 retained).
Molecular consequence: synonymous variant.
Genome position (GRCh38, 1-based): chr1:62,494,428, C>T on the plus strand (G>A on the coding strand, the complement: DOCK7 is on the minus strand). VCF-style: chr1-62494428-C-T. GRCh37 (hg19) VCF-style: chr1-62960099-C-T.
Other names: c.5037G>A, p.Leu1679= (NM_001271999.2, NM_001330614.2); c.4944G>A, p.Leu1648= (NM_001272000.2, NM_001272001.2); c.4971G>A, p.Leu1657= (NM_033407.4).
Identifiers: ClinVar variation 1694514 (VCV001694514.31), dbSNP rs2149298969, ClinGen allele CA418006420.

ClinVar aggregate classification (germline): Likely benign (1 of 4 stars; one submission).

Submission:

CeGaT Center for Human Genetics Tuebingen
Classification: Likely benign. Last evaluated: 2022-05-01. Review status: criteria provided, single submitter. Criteria: CeGaT Center For Human Genetics Tuebingen Variant Classification Criteria Version 2. Collection method: clinical testing. Allele origin: germline. Affected: yes. Observed: 1 variant allele.
Comment: DOCK7: PM2:Supporting, BP4, BP7